The following is an entry in ClinVar:

ClinVar aggregate classification (germline): Likely benign (1 of 4 stars; one submission).

Conditions:
PKD1-related disorder. Also called: PKD1-related condition.

gnomAD v4.1: 15 of 1,583,836 alleles (0.00095%); highest among the groups gnomAD compares: Admixed American, 0.0017%; no homozygotes.

Submission:

PreventionGenetics, part of Exact Sciences
Classification: Likely benign for PKD1-related condition. Last evaluated: 2026-05-04. Review status: criteria provided, single submitter. Criteria: ACMG Guidelines, 2015. Collection method: clinical testing. Allele origin: germline.
Comment: This variant is classified as likely benign based on ACMG/AMP sequence variant interpretation guidelines (Richards et al. 2015 PMID: 25741868, with internal and published modifications).

NM_001009944.3(PKD1):c.3216C>T (p.Asn1072=)

Gene: PKD1 (polycystin 1, transient receptor potential channel interacting; minus strand). Cytogenetic location: 16p13.3.
Variant type: single nucleotide variant.
Coding change: c.3216C>T on transcript NM_001009944.3 (MANE Select); coding-DNA position 3216, C replaced by T.
Protein change: p.Asn1072=; no amino-acid change (asparagine 1072 retained).
Molecular consequence: synonymous variant.
Genome position (GRCh38, 1-based): chr16:2,112,419, G>A on the plus strand (C>T on the coding strand, the complement: PKD1 is on the minus strand). VCF-style: chr16-2112419-G-A. GRCh37 (hg19) VCF-style: chr16-2162420-G-A.
Other names: c.3216C>T, p.Asn1072= (NM_000296.4).
Identifiers: ClinVar variation 4987009 (VCV004987009.1).